The following is an entry in ClinVar:

ClinVar aggregate classification (germline): Uncertain significance (1 of 4 stars; one submission).

Submission:

GeneDx
Classification: Uncertain significance. Last evaluated: 2024-05-17. Review status: criteria provided, single submitter. Criteria: GeneDx Variant Classification Process June 2021. Collection method: clinical testing. Allele origin: germline. Affected: yes.
Comment: Not observed at significant frequency in large population cohorts (gnomAD); In silico analysis indicates that this missense variant does not alter protein structure/function; Has not been previously published as pathogenic or benign to our knowledge

NM_020928.2(ZSWIM6):c.1057G>T (p.Ala353Ser)

Gene: ZSWIM6 (zinc finger SWIM-type containing 6; plus strand). Cytogenetic location: 5q12.1.
Variant type: single nucleotide variant.
Coding change: c.1057G>T on transcript NM_020928.2 (MANE Select); coding-DNA position 1057, G replaced by T.
Protein change: p.Ala353Ser; replaces alanine 353 with serine.
Molecular consequence: missense variant.
Genome position (GRCh38, 1-based): chr5:61,490,809, G>T. VCF-style: chr5-61490809-G-T. GRCh37 (hg19) VCF-style: chr5-60786636-G-T.
Other names: short protein forms A353S.
Identifiers: ClinVar variation 3377990 (VCV003377990.1).